The following is an entry in ClinVar:

ClinVar aggregate classification (germline): Pathogenic (1 of 4 stars; one submission).

Submission:

Labcorp Genetics (formerly Invitae), Labcorp
Classification: Pathogenic. Last evaluated: 2025-11-12. Review status: criteria provided, single submitter. Criteria: Invitae Variant Classification Sherloc (09022015). Collection method: clinical testing. Allele origin: germline.
Comment: This sequence change creates a premature translational stop signal (p.Ser243Profs*106) in the F11 gene. It is expected to result in an absent or disrupted protein product. Loss-of-function variants in F11 are known to be pathogenic (PMID: 23929304). This variant is not present in population databases (gnomAD no frequency). This variant has not been reported in the literature in individuals affected with F11-related conditions. For these reasons, this variant has been classified as Pathogenic.

Literature cited by the submitters: PubMed 23929304.

NM_000128.4(F11):c.727del (p.Ser243fs)

Gene: F11 (coagulation factor XI; plus strand). Cytogenetic location: 4q35.2.
Variant type: Deletion.
Coding change: c.727del on transcript NM_000128.4 (MANE Select); coding-DNA position 727, one base deleted (T; older notation c.727delT).
Protein change: p.Ser243fs; shifts the reading frame from serine 243.
Molecular consequence: frameshift variant. On other transcripts: intron variant (4).
Genome position (GRCh38, 1-based): chr4:186,276,362, T deleted; the last of 4 consecutive T bases (chr4:186,276,359-186,276,362); deleting any one gives the same sequence. VCF-style (leftmost placement, unchanged base first): chr4-186276358-CT-C. GRCh37 (hg19) VCF-style: chr4-187197512-CT-C.
Other names: c.727del, p.Ser243fs (NM_001440590.1, NM_001440593.1, NM_001440596.1); c.485+2087del (NM_001440605.1, NM_001440607.1, NM_001440606.1 and 1 more transcripts); short protein forms S243fs.
Identifiers: ClinVar variation 4731079 (VCV004731079.1).